The following is an entry in ClinVar:

NM_015268.4(DNAJC13):c.4999-8_4999-7del

Gene: DNAJC13 (DnaJ heat shock protein family (Hsp40) member C13; plus strand). Cytogenetic location: 3q22.1.
Variant type: Deletion.
Coding change: c.4999-8_4999-7del on transcript NM_015268.4 (MANE Select); 8 bases into the intron before coding-DNA position 4999 through 7 bases into the intron before coding-DNA position 4999, 2 bases deleted (TT; older notation c.4999-8_4999-7delTT).
Molecular consequence: intron variant.
Genome position (GRCh38, 1-based): chr3:132,507,229-132,507,230, TT deleted; deleting any 2 consecutive bases within chr3:132,507,227-132,507,230 gives the same sequence; the c. name uses the placement nearest the transcript's 3' end. VCF-style (leftmost placement, unchanged base first): chr3-132507226-CTT-C. GRCh37 (hg19) VCF-style: chr3-132226070-CTT-C.
Other names: c.5014-8_5014-7del (NM_001329126.2).
Identifiers: ClinVar variation 736836 (VCV000736836.8), dbSNP rs541260003, ClinGen allele CA2619712.

ClinVar aggregate classification (germline): Likely benign. Review status: criteria provided, multiple submitters, no conflicts (2 of 4 stars). 5 submissions from 5 submitters: Likely benign (2). 3 of the submissions do not count toward it. Last evaluated 2024-10-14.

Conditions:
DNAJC13-related disorder. Also called: DNAJC13-related condition.

Submissions (5):

Blueprint Genetics
Classification: Likely benign. Last evaluated: 2024-10-14. Review status: criteria provided, single submitter. Criteria: ACMG Guidelines, 2015. Collection method: clinical testing. Allele origin: germline.

Labcorp Genetics (formerly Invitae), Labcorp
Classification: Likely benign. Last evaluated: 2018-03-29. Review status: criteria provided, single submitter. Criteria: Invitae Variant Classification Sherloc (09022015). Collection method: clinical testing. Allele origin: germline.

PreventionGenetics, part of Exact Sciences
Classification: Likely benign for DNAJC13-related condition. Last evaluated: 2019-03-20. Review status: no assertion criteria provided. Collection method: clinical testing. Allele origin: germline. Not counted in ClinVar's aggregate classification.
Comment: This variant is classified as likely benign based on ACMG/AMP sequence variant interpretation guidelines (Richards et al. 2015 PMID: 25741868, with internal and published modifications).

Clinical Genetics DNA and cytogenetics Diagnostics Lab, Erasmus MC, Erasmus Medical Center
Classification: Likely benign. Review status: no assertion criteria provided. Collection method: clinical testing. Allele origin: germline. Affected: yes. Study: VKGL Data-share Consensus. Not counted in ClinVar's aggregate classification.

Genome Diagnostics Laboratory, Amsterdam University Medical Center
Classification: Likely benign. Review status: no assertion criteria provided. Collection method: clinical testing. Allele origin: germline. Affected: yes. Study: VKGL Data-share Consensus. Not counted in ClinVar's aggregate classification.